The following is an entry in ClinVar:

NM_000465.4(BARD1):c.1190C>T (p.Ser397Phe)

Gene: BARD1 (BRCA1 associated RING domain 1; minus strand). Cytogenetic location: 2q35.
Variant type: single nucleotide variant.
Coding change: c.1190C>T on transcript NM_000465.4 (MANE Select); coding-DNA position 1190, C replaced by T.
Protein change: p.Ser397Phe; replaces serine 397 with phenylalanine.
Molecular consequence: missense variant. On other transcripts: non-coding transcript variant (2), intron variant (3).
Genome position (GRCh38, 1-based): chr2:214,780,684, G>A on the plus strand (C>T on the coding strand, the complement: BARD1 is on the minus strand). VCF-style: chr2-214780684-G-A. GRCh37 (hg19) VCF-style: chr2-215645408-G-A.
Other names: c.1133C>T, p.Ser378Phe (NM_001282543.2); c.159-28129C>T (NM_001282548.2); c.215+16377C>T (NM_001282545.2); c.364+11613C>T (NM_001282549.2); short protein forms S378F, S397F.
Identifiers: ClinVar variation 3662216 (VCV003662216.2).

ClinVar aggregate classification (germline): Uncertain significance (1 of 4 stars; one submission).

Conditions:
Familial cancer of breast. Also called: Hereditary breast cancer; hereditary breast carcinoma; BREAST CANCER, FAMILIAL. Identifiers: Orphanet 227535, MedGen C0346153, MONDO:0016419, OMIM 114480. Disease mechanism: loss of function.

Submission:

Labcorp Genetics (formerly Invitae), Labcorp
Classification: Uncertain significance for Familial cancer of breast. Last evaluated: 2024-08-13. Review status: criteria provided, single submitter. Criteria: Invitae Variant Classification Sherloc (09022015). Collection method: clinical testing. Allele origin: germline.
Comment: This sequence change replaces serine, which is neutral and polar, with phenylalanine, which is neutral and non-polar, at codon 397 of the BARD1 protein (p.Ser397Phe). This variant is not present in population databases (gnomAD no frequency). This variant has not been reported in the literature in individuals affected with BARD1-related conditions. An algorithm developed to predict the effect of missense changes on protein structure and function (PolyPhen-2) suggests that this variant is likely to be tolerated. In summary, the available evidence is currently insufficient to determine the role of this variant in disease. Therefore, it has been classified as a Variant of Uncertain Significance.